The following is an entry in ClinVar:

NM_152296.5(ATP1A3):c.2094+2_2094+3del

Gene: ATP1A3 (ATPase Na+/K+ transporting subunit alpha 3; minus strand). Cytogenetic location: 19q13.2.
Variant type: Deletion.
Coding change: c.2094+2_2094+3del on transcript NM_152296.5 (MANE Select); the canonical splice donor site of the intron after coding-DNA position 2094 through 3 bases into the intron after coding-DNA position 2094, 2 bases deleted (TG; older notation c.2094+2_2094+3delTG).
Molecular consequence: splice donor variant.
Genome position (GRCh38, 1-based): chr19:41,976,413-41,976,414, CA deleted on the plus strand (TG on the coding strand, the reverse complement: ATP1A3 is on the minus strand); deleting any 2 consecutive bases within chr19:41,976,413-41,976,415 gives the same sequence; the c. name uses the placement nearest the transcript's 3' end. VCF-style (leftmost placement, unchanged base first): chr19-41976412-CCA-C. GRCh37 (hg19) VCF-style: chr19-42480564-CCA-C.
Other names: c.2133+2_2133+3del (NM_001256214.2); c.2127+2_2127+3del (NM_001256213.2).
Identifiers: ClinVar variation 2036475 (VCV002036475.4), dbSNP rs2514050218, ClinGen allele CA2580097307.
Genomic context (GRCh38, chr19:41,976,412, plus strand): 5'-CCCGGCCTCAGTGAGGACCCAGGAGTCAAGGCCCCGTCCCCTCCTCTGCGGGAGCGCAGC[CCA>C]CCTGTCTCTGACAGCCCTCCACAATGATGAGCTTCTGCTGGGGGGATGTGCGGGCGAAGA-3'

ClinVar aggregate classification (germline): Likely pathogenic (1 of 4 stars; one submission).

Conditions:
Dystonia 12 (DYT12). Also called: DYT-ATP1A3; Rapid-Onset Dystonia-Parkinsonism (RDP). Identifiers: Orphanet 71517, MedGen C1868681, MONDO:0007496, OMIM 128235.

Submission:

Labcorp Genetics (formerly Invitae), Labcorp
Classification: Likely pathogenic for Dystonia 12. Last evaluated: 2023-11-03. Review status: criteria provided, single submitter. Criteria: Invitae Variant Classification Sherloc (09022015). Collection method: clinical testing. Allele origin: germline.
Comment: This sequence change affects a splice site in intron 15 of the ATP1A3 gene. It is expected to disrupt RNA splicing. Variants that disrupt the donor or acceptor splice site typically lead to a loss of protein function (PMID: 16199547), and loss-of-function variants in ATP1A3 are known to be pathogenic (PMID: 24631656, 24983657). This variant is not present in population databases (gnomAD no frequency). This variant has not been reported in the literature in individuals affected with ATP1A3-related conditions. ClinVar contains an entry for this variant (Variation ID: 2036475). Algorithms developed to predict the effect of sequence changes on RNA splicing suggest that this variant may disrupt the consensus splice site. In summary, the currently available evidence indicates that the variant is pathogenic, but additional data are needed to prove that conclusively. Therefore, this variant has been classified as Likely Pathogenic.

Literature cited by the submitters: PubMed 16199547; PubMed 24631656; PubMed 24983657.